The following is an entry in ClinVar:

NM_001378457.1(DMXL2):c.1114A>C (p.Asn372His)

Gene: DMXL2 (Dmx like 2; minus strand). Cytogenetic location: 15q21.2.
Variant type: single nucleotide variant.
Coding change: c.1114A>C on transcript NM_001378457.1 (MANE Select); coding-DNA position 1114, A replaced by C.
Protein change: p.Asn372His; replaces asparagine 372 with histidine.
Molecular consequence: missense variant. On other transcripts: non-coding transcript variant (2), intron variant (1).
Genome position (GRCh38, 1-based): chr15:51,538,444, T>G on the plus strand (A>C on the coding strand, the complement: DMXL2 is on the minus strand). VCF-style: chr15-51538444-T-G. GRCh37 (hg19) VCF-style: chr15-51830641-T-G.
Other names: c.1114A>C, p.Asn372His (NM_001174116.3, NM_001174117.3, NM_001378458.1 and 6 more transcripts); c.1106-685A>C (NM_001378464.1); c.1114A>C (NM_001174116.1); short protein forms N372H.
Identifiers: ClinVar variation 1497919 (VCV001497919.30), dbSNP rs143811213, ClinGen allele CA7562651.

ClinVar aggregate classification (germline): Uncertain significance. Review status: criteria provided, multiple submitters, no conflicts (2 of 4 stars). 5 submissions from 5 submitters: Uncertain significance (5). Last evaluated 2026-05-13.

Conditions:
DMXL2-related disorder. Also called: DMXL2-related condition.
Inborn genetic diseases. Identifiers: MedGen C0950123, MeSH D030342.

Allele frequency attached by ClinVar (database versions not stated): gnomAD 0.00016 and 0.00018; gnomAD exomes 0.00020; ExAC 0.00024; ESP Exome Variant Server 0.00046.
gnomAD v4.1: 475 of 1,592,084 alleles (0.03%); highest among the groups gnomAD compares: Non-Finnish European, 0.039%; 1 homozygote.

Submissions (5):

Women's Health and Genetics/Laboratory Corporation of America, LabCorp
Classification: Uncertain significance. Last evaluated: 2026-05-13. Review status: criteria provided, single submitter. Criteria: LabCorp Variant Classification Summary - May 2015. Collection method: clinical testing. Allele origin: germline.
Comment: Variant summary: DMXL2 c.1114A>C (p.Asn372His) results in a conservative amino acid change in the encoded protein sequence. Algorithms developed to predict the effect of missense changes on protein structure and function all suggest that this variant is likely to be tolerated. The variant allele was found at a frequency of 0.0002 in 238172 control chromosomes. This frequency is not significantly higher than estimated for disease-causing variants in DMXL2, allowing no conclusion about variant significance. To our knowledge, no occurrence of c.1114A>C in individuals affected with DMXL2-related conditions and no experimental evidence demonstrating its impact on protein function have been reported. ClinVar contains an entry for this variant (Variation ID: 1497919). Based on the evidence outlined above, the variant was classified as uncertain significance.

PreventionGenetics, part of Exact Sciences
Classification: Uncertain significance for DMXL2-related condition. Last evaluated: 2026-05-06. Review status: criteria provided, single submitter. Criteria: ACMG Guidelines, 2015. Collection method: clinical testing. Allele origin: germline.
Comment: The DMXL2 c.1114A>C variant is predicted to result in the amino acid substitution p.Asn372His. To our knowledge, this variant has not been reported in the literature. This variant is reported in 0.035% of alleles in individuals of European (Non-Finnish) descent in gnomAD. At this time, the clinical significance of this variant is uncertain due to the absence of conclusive functional and genetic evidence.

Ambry Genetics
Classification: Uncertain significance for Inborn genetic diseases. Last evaluated: 2025-09-25. Review status: criteria provided, single submitter. Criteria: Ambry Variant Classification Scheme 2023. Collection method: clinical testing. Allele origin: germline.

CeGaT Center for Human Genetics Tuebingen
Classification: Uncertain significance. Last evaluated: 2024-02-01. Review status: criteria provided, single submitter. Criteria: CeGaT Center For Human Genetics Tuebingen Variant Classification Criteria Version 2. Collection method: clinical testing. Allele origin: germline. Affected: yes. Observed: 1 variant allele.
Comment: DMXL2: PM2, BP4

Labcorp Genetics (formerly Invitae), Labcorp
Classification: Uncertain significance. Last evaluated: 2022-06-23. Review status: criteria provided, single submitter. Criteria: Invitae Variant Classification Sherloc (09022015). Collection method: clinical testing. Allele origin: germline.
Comment: This sequence change replaces asparagine, which is neutral and polar, with histidine, which is basic and polar, at codon 372 of the DMXL2 protein (p.Asn372His). This variant is present in population databases (rs143811213, gnomAD 0.04%). This variant has not been reported in the literature in individuals affected with DMXL2-related conditions. Algorithms developed to predict the effect of missense changes on protein structure and function are either unavailable or do not agree on the potential impact of this missense change (SIFT: "Tolerated"; PolyPhen-2: "Possibly Damaging"; Align-GVGD: "Class C0"). In summary, the available evidence is currently insufficient to determine the role of this variant in disease. Therefore, it has been classified as a Variant of Uncertain Significance.